The following is an entry in ClinVar:

NM_019892.6(INPP5E):c.2_10del (p.Met1_Ser3del)

Gene: INPP5E (inositol polyphosphate-5-phosphatase E; minus strand). Cytogenetic location: 9q34.3.
Variant type: Deletion.
Coding change: c.2_10del on transcript NM_019892.6 (MANE Select); coding-DNA positions 2 to 10, 9 bases deleted (TGCCGTCCA; older notation c.2_10delTGCCGTCCA).
Protein change: p.Met1_Ser3del.
Molecular consequence: inframe deletion, initiator codon variant.
Genome position (GRCh38, 1-based): chr9:136,439,410-136,439,418, TGGACGGCA deleted on the plus strand (TGCCGTCCA on the coding strand, the reverse complement: INPP5E is on the minus strand); deleting any 9 consecutive bases within chr9:136,439,410-136,439,425 gives the same sequence; the c. name uses the placement nearest the transcript's 3' end. VCF-style (leftmost placement, unchanged base first): chr9-136439409-TTGGACGGCA-T. GRCh37 (hg19) VCF-style: chr9-139333861-TTGGACGGCA-T.
Other names: c.2_10del, p.Met1_Ser3del (NM_001318502.2).
Identifiers: ClinVar variation 1324580 (VCV001324580.13), dbSNP rs2131620472, ClinGen allele CA2573053141.

ClinVar aggregate classification (germline): Pathogenic/Likely pathogenic. Review status: criteria provided, multiple submitters, no conflicts (2 of 4 stars). 2 submissions from 2 submitters: Pathogenic (1); Likely pathogenic (1). Last evaluated 2022-06-13.

Conditions:
Joubert syndrome. Also called: CEREBELLOPARENCHYMAL DISORDER IV; JOUBERT-BOLTSHAUSER SYNDROME; Familial aplasia of the vermis. Identifiers: Orphanet 475, MedGen C5979921, MONDO:0018772.

Submissions (2):

Labcorp Genetics (formerly Invitae), Labcorp
Classification: Pathogenic for Joubert syndrome. Last evaluated: 2022-06-13. Review status: criteria provided, single submitter. Criteria: Invitae Variant Classification Sherloc (09022015). Collection method: clinical testing. Allele origin: germline.
Comment: For these reasons, this variant has been classified as Pathogenic. This variant disrupts a region of the INPP5E protein in which other variant(s) (p.Arg292Gly) have been determined to be pathogenic (PMID: 28559085; Invitae). This suggests that this is a clinically significant region of the protein, and that variants that disrupt it are likely to be disease-causing. ClinVar contains an entry for this variant (Variation ID: 1324580). This variant has not been reported in the literature in individuals affected with INPP5E-related conditions. This variant is not present in population databases (gnomAD no frequency). This sequence change affects the initiator methionine of the INPP5E mRNA. The next in-frame methionine is located at codon 308.

Revvity Omics, Revvity
Classification: Likely pathogenic. Last evaluated: 2020-01-29. Review status: criteria provided, single submitter. Criteria: ACMG Guidelines, 2015. Collection method: clinical testing. Allele origin: germline.

Literature cited by the submitters: PubMed 28559085 (cited by Labcorp Genetics (formerly Invitae), Labcorp).